The following is an entry in ClinVar:

ClinVar aggregate classification (germline): Pathogenic (1 of 4 stars; one submission).

Conditions:
Developmental and epileptic encephalopathy, 2 (DEE2). Also called: INFANTILE SPASM SYNDROME, X-LINKED 2; CDKL5 deficiency disorder. Identifiers: Orphanet 1934, Orphanet 3451, Orphanet 505652, MedGen C4750718, MONDO:0010396, OMIM 300672.
Angelman syndrome-like. Identifiers: MedGen CN128785.

Submission:

Labcorp Genetics (formerly Invitae), Labcorp
Classification: Pathogenic for Developmental and epileptic encephalopathy, 2; Angelman syndrome-like. Last evaluated: 2022-03-18. Review status: criteria provided, single submitter. Criteria: Invitae Variant Classification Sherloc (09022015). Collection method: clinical testing. Allele origin: germline.
Comment: This sequence change creates a premature translational stop signal (p.Glu503*) in the CDKL5 gene. It is expected to result in an absent or disrupted protein product. Loss-of-function variants in CDKL5 are known to be pathogenic (PMID: 22872100). This variant is not present in population databases (gnomAD no frequency). This variant has not been reported in the literature in individuals affected with CDKL5-related conditions. For these reasons, this variant has been classified as Pathogenic.

Literature cited by the submitters: PubMed 22872100.

NM_001323289.2(CDKL5):c.1506dup (p.Glu503Ter)

Gene: CDKL5 (cyclin dependent kinase like 5; plus strand). Cytogenetic location: Xp22.13.
Variant type: Duplication.
Coding change: c.1506dup on transcript NM_001323289.2 (MANE Select); coding-DNA position 1506, one base duplicated (T; older notation c.1506dupT).
Protein change: p.Glu503Ter; replaces glutamic acid 503 with a stop codon.
Molecular consequence: nonsense.
Genome position (GRCh38, 1-based): chrX:18,604,430, T duplicated. VCF-style (leftmost placement, unchanged base first): chrX-18604429-C-CT. GRCh37 (hg19) VCF-style: chrX-18622549-C-CT.
Other names: c.1506dup, p.Glu503Ter (NM_001037343.2, NM_003159.3); short protein forms E503*.
Identifiers: ClinVar variation 2113806 (VCV002113806.4), dbSNP rs2518874652, ClinGen allele CA2580100419.